The following is an entry in ClinVar:

ClinVar aggregate classification (germline): Uncertain significance (1 of 4 stars; one submission).

Allele frequency attached by ClinVar (database versions not stated): TOPMed 0.00001; gnomAD 0.00004; gnomAD exomes 0.00009; ExAC 0.00010.
gnomAD v4.1: 135 of 1,612,772 alleles (0.0084%); highest among the groups gnomAD compares: Middle Eastern, 0.066%; 3 homozygotes.

Submission:

Labcorp Genetics (formerly Invitae), Labcorp
Classification: Uncertain significance. Last evaluated: 2022-03-15. Review status: criteria provided, single submitter. Criteria: Invitae Variant Classification Sherloc (09022015). Collection method: clinical testing. Allele origin: germline.
Comment: This sequence change replaces arginine, which is basic and polar, with glutamine, which is neutral and polar, at codon 1729 of the ASPM protein (p.Arg1729Gln). This variant is present in population databases (rs768999000, gnomAD 0.06%). This variant has not been reported in the literature in individuals affected with ASPM-related conditions. Algorithms developed to predict the effect of missense changes on protein structure and function output the following: SIFT: "Tolerated"; PolyPhen-2: "Benign"; Align-GVGD: "Class C0". The glutamine amino acid residue is found in multiple mammalian species, which suggests that this missense change does not adversely affect protein function. In summary, the available evidence is currently insufficient to determine the role of this variant in disease. Therefore, it has been classified as a Variant of Uncertain Significance.

NM_018136.5(ASPM):c.5186G>A (p.Arg1729Gln)

Gene: ASPM (assembly factor for spindle microtubules; minus strand). Cytogenetic location: 1q31.3.
Variant type: single nucleotide variant.
Coding change: c.5186G>A on transcript NM_018136.5 (MANE Select); coding-DNA position 5186, G replaced by A.
Protein change: p.Arg1729Gln; replaces arginine 1729 with glutamine.
Molecular consequence: missense variant. On other transcripts: intron variant (1).
Genome position (GRCh38, 1-based): chr1:197,104,065, C>T on the plus strand (G>A on the coding strand, the complement: ASPM is on the minus strand). VCF-style: chr1-197104065-C-T. GRCh37 (hg19) VCF-style: chr1-197073195-C-T.
Other names: c.4066-7901G>A (NM_001206846.2); short protein forms R1729Q.
Identifiers: ClinVar variation 2069062 (VCV002069062.1), dbSNP rs768999000, ClinGen allele CA1309798.